The following is an entry in ClinVar:

ClinVar aggregate classification (germline): Uncertain significance. Review status: criteria provided, multiple submitters, no conflicts (2 of 4 stars). 5 submissions from 5 submitters: Uncertain significance (3). 2 of the submissions do not count toward it. Last evaluated 2025-06-22.

Conditions:
MYPN-related disorder. Also called: MYPN-related condition.
Cardiovascular phenotype. Identifiers: MedGen CN230736.
Dilated cardiomyopathy 1KK (CMD1KK). Identifiers: Orphanet 154, Orphanet 75249, MedGen C3714995, MONDO:0014100, OMIM 615248.

gnomAD v4.1: 10 of 1,614,100 alleles (0.00062%); highest among the groups gnomAD compares: East Asian, 0.0022%; no homozygotes.

Submissions (5):

Ambry Genetics
Classification: Uncertain significance for Cardiovascular phenotype. Last evaluated: 2025-06-22. Review status: criteria provided, single submitter. Criteria: Ambry Variant Classification Scheme 2023. Collection method: clinical testing. Allele origin: germline.
Comment: The p.G847E variant (also known as c.2540G>A), located in coding exon 10 of the MYPN gene, results from a G to A substitution at nucleotide position 2540. The glycine at codon 847 is replaced by glutamic acid, an amino acid with similar properties. This amino acid position is highly conserved in available vertebrate species. In addition, the in silico prediction for this alteration is inconclusive. Since supporting evidence is limited at this time, the clinical significance of this alteration remains unclear.

PreventionGenetics, part of Exact Sciences
Classification: Uncertain significance for MYPN-related condition. Last evaluated: 2025-06-17. Review status: criteria provided, single submitter. Criteria: ACMG Guidelines, 2015. Collection method: clinical testing. Allele origin: germline.
Comment: The MYPN c.2540G>A variant is predicted to result in the amino acid substitution p.Gly847Glu. To our knowledge, this variant has not been reported in the literature. This variant is reported in 0.0% of alleles in individuals of African descent in gnomAD. At this time, the clinical significance of this variant is uncertain due to the absence of conclusive functional and genetic evidence.

Labcorp Genetics (formerly Invitae), Labcorp
Classification: Uncertain significance for Dilated cardiomyopathy 1KK. Last evaluated: 2021-10-11. Review status: criteria provided, single submitter. Criteria: Invitae Variant Classification Sherloc (09022015). Collection method: clinical testing. Allele origin: germline.
Comment: This sequence change replaces glycine with glutamic acid at codon 847 of the MYPN protein (p.Gly847Glu). The glycine residue is highly conserved and there is a moderate physicochemical difference between glycine and glutamic acid. This variant is not present in population databases (ExAC no frequency). This variant has not been reported in the literature in individuals affected with MYPN-related conditions. Algorithms developed to predict the effect of missense changes on protein structure and function are either unavailable or do not agree on the potential impact of this missense change (SIFT: "Tolerated"; PolyPhen-2: "Probably Damaging"; Align-GVGD: "Class C0"). In summary, the available evidence is currently insufficient to determine the role of this variant in disease. Therefore, it has been classified as a Variant of Uncertain Significance.

Clinical Genetics, Academic Medical Center
Classification: Uncertain significance. Review status: no assertion criteria provided. Collection method: clinical testing. Allele origin: germline. Affected: yes. Study: VKGL Data-share Consensus. Not counted in ClinVar's aggregate classification.

Diagnostic Laboratory, Department of Genetics, University Medical Center Groningen
Classification: Uncertain significance. Review status: no assertion criteria provided. Collection method: clinical testing. Allele origin: germline. Affected: yes. Study: VKGL Data-share Consensus. Not counted in ClinVar's aggregate classification.

NM_032578.4(MYPN):c.2540G>A (p.Gly847Glu)

Gene: MYPN (myopalladin; plus strand). Cytogenetic location: 10q21.3.
Variant type: single nucleotide variant.
Coding change: c.2540G>A on transcript NM_032578.4 (MANE Select); coding-DNA position 2540, G replaced by A.
Protein change: p.Gly847Glu; replaces glycine 847 with glutamic acid.
Molecular consequence: missense variant. On other transcripts: non-coding transcript variant (2).
Genome position (GRCh38, 1-based): chr10:68,174,632, G>A. VCF-style: chr10-68174632-G-A. GRCh37 (hg19) VCF-style: chr10-69934389-G-A.
Other names: c.2540G>A, p.Gly847Glu (NM_001256267.2); c.1658G>A, p.Gly553Glu (NM_001256268.2); short protein forms G553E, G847E.
Identifiers: ClinVar variation 863413 (VCV000863413.10), dbSNP rs181848049, ClinGen allele CA208204640.
Genomic context (GRCh38, chr10:68,174,632, plus strand): 5'-TGGCTTTCCTCAGCTCTGTTCTGCCTTCTCTCCCTGCCATCCCACCCACAAATGCCATGG[G>A]GCTGCCTAGAAGTGCACCATCCATGTAAGTGTCATTGAGGTTTCTTGATGTAAGATGCTA-3'
Protein context (NP_115967.2, residues 837-857): LPAIPPTNAM[Gly847Glu]LPRSAPSMPS